The following is an entry in ClinVar:

NM_013266.4(CTNNA3):c.1433C>T (p.Thr478Ile)

Gene: CTNNA3 (catenin alpha 3; minus strand). Cytogenetic location: 10q21.3.
Variant type: single nucleotide variant.
Coding change: c.1433C>T on transcript NM_013266.4 (MANE Select); coding-DNA position 1433, C replaced by T.
Protein change: p.Thr478Ile; replaces threonine 478 with isoleucine.
Molecular consequence: missense variant.
Genome position (GRCh38, 1-based): chr10:66,520,715, G>A on the plus strand (C>T on the coding strand, the complement: CTNNA3 is on the minus strand). VCF-style: chr10-66520715-G-A. GRCh37 (hg19) VCF-style: chr10-68280473-G-A.
Other names: c.1433C>T, p.Thr478Ile (NM_001127384.3); short protein forms T478I.
Identifiers: ClinVar variation 4702181 (VCV004702181.1).
Genomic context (GRCh38, chr10:66,520,715, plus strand): 5'-TCTACGGCTTCAGTGAGGACATGTATATGATTCTCCCATGTACGCTTGTACATTTCCATG[G>A]TGTTTTTGACCGCTTGACTTTTGGGTCTTGCAGCCAAAGCAAGTGCAGCATTAATAATCT-3'
Protein context (NP_037398.2, residues 468-488): ARPKSQAVKN[Thr478Ile]MEMYKRTWEN

ClinVar aggregate classification (germline): Uncertain significance (1 of 4 stars; one submission).

Conditions:
Arrhythmogenic right ventricular dysplasia 13. Also called: ARRHYTHMOGENIC RIGHT VENTRICULAR CARDIOMYOPATHY 13; Arrhythmogenic right ventricular dysplasia, familial, 13. Identifiers: MedGen C3810138, MONDO:0000908, OMIM 615616.

Submission:

Labcorp Genetics (formerly Invitae), Labcorp
Classification: Uncertain significance for Arrhythmogenic right ventricular dysplasia 13. Last evaluated: 2025-07-13. Review status: criteria provided, single submitter. Criteria: Invitae Variant Classification Sherloc (09022015). Collection method: clinical testing. Allele origin: germline.
Comment: This sequence change replaces threonine, which is neutral and polar, with isoleucine, which is neutral and non-polar, at codon 478 of the CTNNA3 protein (p.Thr478Ile). This variant is not present in population databases (gnomAD no frequency). This variant has not been reported in the literature in individuals affected with CTNNA3-related conditions. Invitae Evidence Modeling of protein sequence and biophysical properties (such as structural, functional, and spatial information, amino acid conservation, physicochemical variation, residue mobility, and thermodynamic stability) indicates that this missense variant is expected to disrupt CTNNA3 protein function with a positive predictive value of 80%. In summary, the available evidence is currently insufficient to determine the role of this variant in disease. Therefore, it has been classified as a Variant of Uncertain Significance.